The following is an entry in ClinVar:

ClinVar aggregate classification (germline): Uncertain significance. Review status: criteria provided, multiple submitters, no conflicts (2 of 4 stars). 3 submissions from 3 submitters: Uncertain significance (3). Last evaluated 2025-04-03.

Conditions:
Hypertrophic cardiomyopathy 14. Identifiers: MedGen C2750467, MONDO:0013197, OMIM 613251.
Cardiovascular phenotype. Identifiers: MedGen CN230736.

Submissions (3):

Ambry Genetics
Classification: Uncertain significance for Cardiovascular phenotype. Last evaluated: 2025-04-03. Review status: criteria provided, single submitter. Criteria: Ambry Variant Classification Scheme 2023. Collection method: clinical testing. Allele origin: germline.

Labcorp Genetics (formerly Invitae), Labcorp
Classification: Uncertain significance for Hypertrophic cardiomyopathy 14. Last evaluated: 2024-06-17. Review status: criteria provided, single submitter. Criteria: Invitae Variant Classification Sherloc (09022015). Collection method: clinical testing. Allele origin: germline.
Comment: This sequence change replaces alanine, which is neutral and non-polar, with serine, which is neutral and polar, at codon 100 of the MYH6 protein (p.Ala100Ser). This variant is not present in population databases (gnomAD no frequency). This variant has not been reported in the literature in individuals affected with MYH6-related conditions. Advanced modeling of protein sequence and biophysical properties (such as structural, functional, and spatial information, amino acid conservation, physicochemical variation, residue mobility, and thermodynamic stability) performed at Invitae indicates that this missense variant is not expected to disrupt MYH6 protein function with a negative predictive value of 80%. In summary, the available evidence is currently insufficient to determine the role of this variant in disease. Therefore, it has been classified as a Variant of Uncertain Significance.

GeneDx
Classification: Uncertain significance. Last evaluated: 2023-07-10. Review status: criteria provided, single submitter. Criteria: GeneDx Variant Classification Process June 2021. Collection method: clinical testing. Allele origin: germline. Affected: yes.
Comment: Not observed at significant frequency in large population cohorts (gnomAD); In silico analysis supports that this missense variant does not alter protein structure/function; Has not been previously published as pathogenic or benign to our knowledge

NM_002471.4(MYH6):c.298G>T (p.Ala100Ser)

Genes: MYH6 (myosin heavy chain 6; minus strand), LOC114827851 (VISTA enhancer hs2155; plus strand). Cytogenetic location: 14q11.2.
Variant type: single nucleotide variant.
Coding change: c.298G>T on transcript NM_002471.4 (MANE Select); coding-DNA position 298, G replaced by T.
Protein change: p.Ala100Ser; replaces alanine 100 with serine.
Molecular consequence: missense variant.
Genome position (GRCh38, 1-based): chr14:23,405,674, C>A on the plus strand (G>T on the coding strand, the complement: MYH6 is on the minus strand). VCF-style: chr14-23405674-C-A. GRCh37 (hg19) VCF-style: chr14-23874883-C-A.
Other names: short protein forms A100S.
Identifiers: ClinVar variation 3360825 (VCV003360825.4).